The following is an entry in ClinVar:

ClinVar aggregate classification (germline): Benign. Review status: criteria provided, multiple submitters, no conflicts (2 of 4 stars). 12 submissions from 12 submitters: Benign (8). 4 of the submissions do not count toward it. Last evaluated 2026-02-03.

Conditions:
Norman-Roberts syndrome (LIS2). Also called: Lissencephaly 2 (Norman-Roberts type). Identifiers: Orphanet 89844, MedGen C0796089, MONDO:0009760, OMIM 257320.
Familial temporal lobe epilepsy 7. Identifiers: Orphanet 101046, MedGen C4225327, MONDO:0014639, OMIM 616436.

Allele frequency attached by ClinVar (database versions not stated): gnomAD exomes 0.03883 and 0.04747; gnomAD 0.04529 and 0.04731; TOPMed 0.04757; ESP Exome Variant Server 0.04759; ExAC 0.04981; 1000 Genomes Project 30x 0.07589; 1000 Genomes Project 0.07808.
gnomAD v4.1: 64,195 of 1,613,078 alleles (4%); highest among the groups gnomAD compares: East Asian, 16%; 1,896 homozygotes.

Submissions (12):

Labcorp Genetics (formerly Invitae), Labcorp
Classification: Benign for Familial temporal lobe epilepsy 7; Norman-Roberts syndrome. Last evaluated: 2026-02-03. Review status: criteria provided, single submitter. Criteria: Invitae Variant Classification Sherloc (09022015). Collection method: clinical testing. Allele origin: germline.

Blueprint Genetics
Classification: Benign. Last evaluated: 2024-11-27. Review status: criteria provided, single submitter. Criteria: ACMG Guidelines, 2015. Collection method: clinical testing. Allele origin: germline.

Mayo Clinic Laboratories, Mayo Clinic
Classification: Benign. Last evaluated: 2018-04-10. Review status: criteria provided, single submitter. Criteria: ACMG Guidelines, 2015. Collection method: clinical testing. Allele origin: germline. Observed: 35 variant alleles.

Illumina Laboratory Services, Illumina
Classification: Benign for Norman-Roberts syndrome. Last evaluated: 2018-01-13. Review status: criteria provided, single submitter. Criteria: ICSL Variant Classification Criteria 13 December 2019. Collection method: clinical testing. Allele origin: germline.
Comment: This variant was observed in the ICSL laboratory as part of a predisposition screen in an ostensibly healthy population. It had not been previously curated by ICSL or reported in the Human Gene Mutation Database (HGMD: prior to June 1st, 2018), and was therefore a candidate for classification through an automated scoring system. Utilizing variant allele frequency, disease prevalence and penetrance estimates, and inheritance mode, an automated score was calculated to assess if this variant is too frequent to cause the disease. Based on the score and internal cut-off values, a variant classified as benign is not then subjected to further curation. The score for this variant resulted in a classification of benign for this disease.

GeneDx
Classification: Benign. Last evaluated: 2013-12-21. Review status: criteria provided, single submitter. Criteria: GeneDx Variant Classification (06012015). Collection method: clinical testing. Allele origin: germline. Affected: yes.
Comment: This variant is considered likely benign or benign based on one or more of the following criteria: it is a conservative change, it occurs at a poorly conserved position in the protein, it is predicted to be benign by multiple in silico algorithms, and/or has population frequency not consistent with disease.

Eurofins Ntd Llc (ga)
Classification: Benign. Last evaluated: 2012-07-03. Review status: criteria provided, single submitter. Criteria: EGL Classification Definitions 2015. Collection method: clinical testing. Allele origin: germline. Observed: 1 variant allele, 1 heterozygote.

Breakthrough Genomics
Classification: Benign. Review status: criteria provided, single submitter. Criteria: ACMG Guidelines, 2015. Collection method: not provided. Allele origin: germline. Inheritance: Autosomal recessive inheritance. Affected: yes.

PreventionGenetics, part of Exact Sciences
Classification: Benign. Review status: criteria provided, single submitter. Criteria: ACMG Guidelines, 2015. Collection method: clinical testing. Allele origin: germline.

Clinical Genetics DNA and cytogenetics Diagnostics Lab, Erasmus MC, Erasmus Medical Center
Classification: Benign. Review status: no assertion criteria provided. Collection method: clinical testing. Allele origin: germline. Affected: yes. Study: VKGL Data-share Consensus. Not counted in ClinVar's aggregate classification.

Clinical Genetics, Academic Medical Center
Classification: Benign. Review status: no assertion criteria provided. Collection method: clinical testing. Allele origin: germline. Affected: yes. Study: VKGL Data-share Consensus. Not counted in ClinVar's aggregate classification.

Diagnostic Laboratory, Department of Genetics, University Medical Center Groningen
Classification: Benign for Norman-Roberts syndrome. Review status: no assertion criteria provided. Collection method: clinical testing. Allele origin: germline. Affected: yes. Study: VKGL Data-share Consensus. Not counted in ClinVar's aggregate classification.

Genetic Services Laboratory, University of Chicago
Classification: Likely benign for AllHighlyPenetrant. Review status: no assertion criteria provided. Collection method: clinical testing. Allele origin: germline. Inheritance: Autosomal recessive inheritance. Not counted in ClinVar's aggregate classification.
Comment: Likely benign based on allele frequency in 1000 Genomes Project or ESP global frequency and its presence in a patient with a rare or unrelated disease phenotype. NOT Sanger confirmed.

NM_005045.4(RELN):c.8136A>G (p.Leu2712=)

Genes: RELN (reelin; minus strand), SLC26A5-AS1 (SLC26A5 antisense RNA 1; plus strand). Cytogenetic location: 7q22.1.
Variant type: single nucleotide variant.
Coding change: c.8136A>G on transcript NM_005045.4 (MANE Select); coding-DNA position 8136, A replaced by G.
Protein change: p.Leu2712=; no amino-acid change (leucine 2712 retained).
Molecular consequence: synonymous variant.
Genome position (GRCh38, 1-based): chr7:103,510,989, T>C on the plus strand (A>G on the coding strand, the complement: RELN is on the minus strand). VCF-style: chr7-103510989-T-C. GRCh37 (hg19) VCF-style: chr7-103151436-T-C.
Other names: p.L2712L:CTA>CTG; p.Leu2712=; c.8136A>G, p.Leu2712= (NM_173054.3).
Identifiers: ClinVar variation 95231 (VCV000095231.28), dbSNP rs3808039, ClinGen allele CA148354.